The following is an entry in ClinVar:

ClinVar aggregate classification (germline): Uncertain significance. Review status: criteria provided, multiple submitters, no conflicts (2 of 4 stars). 2 submissions from 2 submitters: Uncertain significance (2). Last evaluated 2025-01-14.

Conditions:
Baller-Gerold syndrome (BGS). Also called: CRANIOSYNOSTOSIS WITH RADIAL DEFECTS. Identifiers: Orphanet 1225, MedGen C0265308, MONDO:0009039, OMIM 218600.

Allele frequency attached by ClinVar (database versions not stated): gnomAD 0.00001; gnomAD exomes 0.00001 and 0.00002; TOPMed 0.00002; ExAC 0.00003.
gnomAD v4.1: 19 of 1,600,292 alleles (0.0012%); highest among the groups gnomAD compares: Middle Eastern, 0.12%; no homozygotes.

Submissions (2):

Labcorp Genetics (formerly Invitae), Labcorp
Classification: Uncertain significance for Baller-Gerold syndrome. Last evaluated: 2025-01-14. Review status: criteria provided, single submitter. Criteria: Invitae Variant Classification Sherloc (09022015). Collection method: clinical testing. Allele origin: germline.
Comment: This sequence change replaces arginine, which is basic and polar, with glutamine, which is neutral and polar, at codon 570 of the RECQL4 protein (p.Arg570Gln). This variant is present in population databases (rs755865911, gnomAD 0.006%). This variant has not been reported in the literature in individuals affected with RECQL4-related conditions. ClinVar contains an entry for this variant (Variation ID: 568893). Invitae Evidence Modeling of protein sequence and biophysical properties (such as structural, functional, and spatial information, amino acid conservation, physicochemical variation, residue mobility, and thermodynamic stability) indicates that this missense variant is not expected to disrupt RECQL4 protein function with a negative predictive value of 80%. In summary, the available evidence is currently insufficient to determine the role of this variant in disease. Therefore, it has been classified as a Variant of Uncertain Significance.

Breakthrough Genomics
Classification: Uncertain significance. Review status: criteria provided, single submitter. Criteria: ACMG Guidelines, 2015. Collection method: not provided. Allele origin: germline. Inheritance: Autosomal recessive inheritance. Affected: yes.

NM_004260.4(RECQL4):c.1709G>A (p.Arg570Gln)

Gene: RECQL4 (RecQ like helicase 4; minus strand). Cytogenetic location: 8q24.3.
Variant type: single nucleotide variant.
Coding change: c.1709G>A on transcript NM_004260.4 (MANE Select); coding-DNA position 1709, G replaced by A.
Protein change: p.Arg570Gln; replaces arginine 570 with glutamine.
Molecular consequence: missense variant.
Genome position (GRCh38, 1-based): chr8:144,514,358, C>T on the plus strand (G>A on the coding strand, the complement: RECQL4 is on the minus strand). VCF-style: chr8-144514358-C-T. GRCh37 (hg19) VCF-style: chr8-145739742-C-T.
Other names: short protein forms R570Q.
Identifiers: ClinVar variation 568893 (VCV000568893.6), dbSNP rs755865911, ClinGen allele CA4948680.